The following is an entry in ClinVar:

NM_080425.4(GNAS):c.2000del (p.Lys667fs)

Gene: GNAS (GNAS complex locus; plus strand). Cytogenetic location: 20q13.32.
Variant type: Deletion.
Coding change: c.2000del on transcript NM_080425.4 (MANE Plus Clinical); coding-DNA position 2000, one base deleted (A; older notation c.2000delA).
Protein change: p.Lys667fs; shifts the reading frame from lysine 667.
Molecular consequence: frameshift variant. On other transcripts: intron variant (3).
Genome position (GRCh38, 1-based): chr20:58,855,265, A deleted; the last of 2 consecutive A bases (chr20:58,855,264-58,855,265); deleting either gives the same sequence. VCF-style (leftmost placement, unchanged base first): chr20-58855263-TA-T. GRCh37 (hg19) VCF-style: chr20-57430318-TA-T.
Other names: c.1813del, p.Ser605fs (NM_001077490.3, NM_001309883.1); c.2000del, p.Lys667fs (NM_001410913.1); c.*42+14379del (NM_016592.5); c.43+14379del (NM_001410912.1); c.-39+13390del (NM_001309861.2); short protein forms K667fs, S605fs.
Identifiers: ClinVar variation 3355577 (VCV003355577.1).

ClinVar aggregate classification (germline): Uncertain significance (0 of 4 stars; one submission).

Conditions:
GNAS-related disorder. Identifiers: MedGen CN380105.

Submission:

PreventionGenetics, part of Exact Sciences
Classification: Uncertain significance for GNAS-related condition. Last evaluated: 2024-03-22. Review status: no assertion criteria provided. Collection method: clinical testing. Allele origin: germline.
Comment: The GNAS c.2000delA variant is predicted to result in a frameshift and premature protein termination (p.Lys667Serfs*23). In the primary transcript of the GNAS gene (NM_000516.5) this variant is located in the 5’ untranslated region (UTR) and is defined as c.-36462del. To our knowledge, this variant has not been reported in the literature or in a large population database. To date, only large deletions in the above region are conclusively pathogenic for pseudohypoparathyroidism type-Ib (PHP-Ib) due to methylation defects (Turan and Bastepe. 2015. PubMed ID􀃃 25851935). Although in some studies single nucleotide variants (SNVs) within this region have been reported in related diseases, the pathogenicity of these variants is still uncertain (see for example in Table 3 of Long et al. 2018. PubMed ID: 30022773). At this time, the clinical significance of this variant is uncertain due to the absence of conclusive functional and genetic evidence.